The following continues an entry in ClinVar:

NM_000053.4(ATP7B):c.3263T>A (p.Leu1088Ter)

Gene: ATP7B. ClinVar aggregate classification (germline): Pathogenic. Pathogenic (14).

Submissions 13 to 15 of 15:

Laboratory for Molecular Medicine, Mass General Brigham Personalized Medicine
Classification: Pathogenic for Wilson disease. Last evaluated: 2020-06-11. Review status: criteria provided, single submitter. Criteria: ACMG Guidelines, 2015. Collection method: clinical testing. Allele origin: germline.
Comment: The p.Leu1088X variant in ATP7B has been reported in several individuals with Wilson disease, including at least 2 compound heterozygous individuals (Coffey 2013, Deguti 2004, Merle 2010, Vrabelova 2005). This variant was identified in 0.001% (2/113284) of European chromosomes by gnomAD. This nonsense variant leads to a premature termination codon at position 1088, which is predicted to lead to a truncated or absent protein. Loss of function of the ATP7B gene is an established disease mechanism in autosomal recessive Wilson disease. In summary, this variant meets criteria to be classified as pathogenic for autosomal recessive Wilson disease. ACMG/AMP criteria applied: PVS1, PM2, PM3, PP4.

ARUP Laboratories, Molecular Genetics and Genomics, ARUP Laboratories
Classification: Pathogenic for Wilson disease. Last evaluated: 2018-08-30. Review status: criteria provided, single submitter. Criteria: ARUP Molecular Germline Variant Investigation Process. Collection method: clinical testing. Allele origin: germline.
Comment: The ATP7B c.3263T>A; p.Leu1088Ter variant (rs753250853) has been described in several individuals with Wilson disease (Coffey 2013, Deguti 2004, Merle 2010, Vrabelova 2005). It contains an entry in ClinVar (Variation ID: 188886) and observed on only 2 alleles in the Genome Aggregation Database. This variant induces an early termination codon and is predicted to result in a truncated protein or mRNA subject to nonsense-mediated decay. Based on available information, this variant is considered pathogenic. REFERENCES Coffey A et al. A genetic study of Wilson's disease in the United Kingdom. Brain. 2013 May;136(Pt 5):1476-87. Deguti M et al. Wilson disease: novel mutations in the ATP7B gene and clinical correlation in Brazilian patients. Hum Mutat. 2004 Apr;23(4):398. Merle U et al. Truncating mutations in the Wilson disease gene ATP7B are associated with very low serum ceruloplasmin oxidase activity and an early onset of Wilson disease. BMC Gastroenterol. 2010 Jan 18;10:8. Vrabelova S et al. Mutation analysis of the ATP7B gene and genotype/phenotype correlation in 227 patients with Wilson disease. Mol Genet Metab. 2005 Sep-Oct;86(1-2):277-85.

Counsyl
Classification: Likely pathogenic for Wilson's disease. Last evaluated: 2014-07-16. Review status: no assertion criteria provided. Collection method: literature only. Allele origin: unknown. Inheritance: Autosomal recessive inheritance. Not counted in ClinVar's aggregate classification.

Literature cited by the submitters: PubMed 10441329 (cited by Labcorp Genetics (formerly Invitae), Labcorp); PubMed 16283883 (cited by Labcorp Genetics (formerly Invitae), Labcorp); PubMed 12515040 (cited by Labcorp Genetics (formerly Invitae), Labcorp and Counsyl); PubMed 15024742 (cited by 7 submitters); PubMed 20082719 (cited by 7 submitters); PubMed 23518715 (cited by 6 submitters); PubMed 32043565 (cited by 4 submitters); PubMed 33640437 (cited by Ambry Genetics); PubMed 15967699 (cited by 5 submitters); PubMed 20958917 (cited by Color Diagnostics, LLC DBA Color Health and All of Us Research Program, National Institutes of Health); PubMed 29358271 (cited by Color Diagnostics, LLC DBA Color Health and All of Us Research Program, National Institutes of Health); PubMed 34620762 (cited by Color Diagnostics, LLC DBA Color Health and All of Us Research Program, National Institutes of Health).